The following is an entry in ClinVar:

ClinVar aggregate classification (germline): Likely benign (1 of 4 stars; one submission).

Conditions:
PKD1-related disorder. Also called: PKD1-related condition.

gnomAD v4.1: 7 of 1,611,508 alleles (0.00043%); highest among the groups gnomAD compares: East Asian, 0.0022%; no homozygotes.

Submission:

PreventionGenetics, part of Exact Sciences
Classification: Likely benign for PKD1-related condition. Last evaluated: 2025-11-19. Review status: criteria provided, single submitter. Criteria: ACMG Guidelines, 2015. Collection method: clinical testing. Allele origin: germline.
Comment: This variant is classified as likely benign based on ACMG/AMP sequence variant interpretation guidelines (Richards et al. 2015 PMID: 25741868, with internal and published modifications).

NM_001009944.3(PKD1):c.3699C>T (p.Ala1233=)

Gene: PKD1 (polycystin 1, transient receptor potential channel interacting; minus strand). Cytogenetic location: 16p13.3.
Variant type: single nucleotide variant.
Coding change: c.3699C>T on transcript NM_001009944.3 (MANE Select); coding-DNA position 3699, C replaced by T.
Protein change: p.Ala1233=; no amino-acid change (alanine 1233 retained).
Molecular consequence: synonymous variant.
Genome position (GRCh38, 1-based): chr16:2,111,468, G>A on the plus strand (C>T on the coding strand, the complement: PKD1 is on the minus strand). VCF-style: chr16-2111468-G-A. GRCh37 (hg19) VCF-style: chr16-2161469-G-A.
Other names: c.3699C>T, p.Ala1233= (NM_000296.4).
Identifiers: ClinVar variation 4988031 (VCV004988031.1).